The following is an entry in ClinVar:

NM_006206.6(PDGFRA):c.1154_1155delinsTA (p.Lys385Ile)

Gene: PDGFRA (platelet derived growth factor receptor alpha; plus strand). Cytogenetic location: 4q12.
Variant type: Indel.
Coding change: c.1154_1155delinsTA on transcript NM_006206.6 (MANE Select); coding-DNA positions 1154 to 1155, AG replaced by TA.
Protein change: p.Lys385Ile; replaces lysine 385 with isoleucine.
Molecular consequence: missense variant.
Genome position (GRCh38, 1-based): chr4:54,270,665-54,270,666, AG replaced by TA. VCF-style: chr4-54270665-AG-TA. GRCh37 (hg19) VCF-style: chr4-55136832-AG-TA.
Other names: c.1154_1155delinsTA, p.Lys385Ile (NM_001347827.2, NM_001347829.2); c.1229_1230delinsTA, p.Lys410Ile (NM_001347828.2); c.1193_1194delinsTA, p.Lys398Ile (NM_001347830.2); short protein forms K385I, K398I, K410I.
Identifiers: ClinVar variation 4530332 (VCV004530332.1).

ClinVar aggregate classification (somatic clinical impact): Tier I - Strong (1 of 4 stars; one submission).

Conditions:
Diffuse midline glioma, H3 K27M-mutant. Identifiers: MedGen C4289688, MONDO:0957196.

Submission:

Institute for Genomic Medicine (IGM) Clinical Laboratory, Nationwide Children's Hospital
Classification: Tier I - Strong for Diffuse midline glioma, H3 K27M-mutant. Assertion type: diagnostic. Clinical significance: supports diagnosis. Last evaluated: 2023-09-13. Review status: criteria provided, single submitter. Criteria: AMP/ASCO/CAP Guidelines, 2017. Collection method: clinical testing. Allele origin: somatic. Affected: yes.
Comment: Variant has Tier I (strong) clinical significance as a diagnostic inclusion criterion in diffuse midline glioma, H3 K27M-mutant, based on the following evidence: 1) Documented in one or more cancer databases (e.g., St. Jude Pecan, COSMIC, CIViC, OncoKB). 2) Appears in one or more well-established professional guidelines (e.g., World Health Organization [WHO]; National Comprehensive Cancer Network [NCCN]) as providing diagnostic, prognostic, or therapeutic information. 3) Diagnostic for a specific tumor type/classification based on well-powered studies with expert-level consensus (Evidence Level B; PMIDs: 24705251, 25230881, 27582545, 28966033, 29763623).

Literature cited by the submitters: PubMed 24705251; PubMed 25230881; PubMed 27582545; PubMed 28966033; PubMed 29763623.